The following is an entry in ClinVar:

NM_000368.5(TSC1):c.2601G>A (p.Gln867=)

Gene: TSC1 (TSC complex subunit 1; minus strand). Cytogenetic location: 9q34.13.
Variant type: single nucleotide variant.
Coding change: c.2601G>A on transcript NM_000368.5 (MANE Select); coding-DNA position 2601, G replaced by A.
Protein change: p.Gln867=; no amino-acid change (glutamine 867 retained).
Molecular consequence: synonymous variant.
Genome position (GRCh38, 1-based): chr9:132,900,739, C>T on the plus strand (G>A on the coding strand, the complement: TSC1 is on the minus strand). VCF-style: chr9-132900739-C-T. GRCh37 (hg19) VCF-style: chr9-135776126-C-T.
Other names: c.2601G>A (NM_000368.4); c.2598G>A, p.Gln866= (NM_001162426.2); c.2448G>A, p.Gln816= (NM_001162427.2); c.2238G>A, p.Gln746= (NM_001362177.2).
Identifiers: ClinVar variation 1558488 (VCV001558488.11), dbSNP rs2131685313, ClinGen allele CA467594442.
Genomic context (GRCh38, chr9:132,900,739, plus strand): 5'-TCCCCACTAAGGTCTGGCTCCCGAGCCCTGGCATACCTTTGTGGTATCTGAGTGCTTGTT[C>T]TGCAGTTGTTCCAAATAGAGCTCGTTGACCTCCCCAAGAACCAACAGCTGCCTGTTCAAG-3'
Protein context (NP_000359.1, residues 857-877): EVNELYLEQL[Gln867=]NKHSDTTKEV

ClinVar aggregate classification (germline): Likely benign. Review status: criteria provided, multiple submitters, no conflicts (2 of 4 stars). 3 submissions from 3 submitters: Likely benign (2). 1 of the submissions does not count toward it. Last evaluated 2024-09-08.

Conditions:
Hereditary cancer-predisposing syndrome. Also called: Neoplastic Syndromes, Hereditary; Hereditary Cancer Syndrome; Hereditary neoplastic syndrome; Tumor predisposition. Identifiers: Orphanet 140162, MedGen C0027672, MeSH D009386, MONDO:0015356.
TSC1-related disorder. Also called: TSC1-related condition.
Tuberous sclerosis 1 (TSC1). Identifiers: Orphanet 805, MedGen C1854465, MONDO:0008612, OMIM 191100.

Submissions (3):

Ambry Genetics
Classification: Likely benign for Hereditary cancer-predisposing syndrome. Last evaluated: 2024-09-08. Review status: criteria provided, single submitter. Criteria: Ambry Variant Classification Scheme 2023. Collection method: clinical testing. Allele origin: germline.

Labcorp Genetics (formerly Invitae), Labcorp
Classification: Likely benign for Tuberous sclerosis 1. Last evaluated: 2021-05-12. Review status: criteria provided, single submitter. Criteria: Invitae Variant Classification Sherloc (09022015). Collection method: clinical testing. Allele origin: germline.

PreventionGenetics, part of Exact Sciences
Classification: Likely benign for TSC1-related condition. Last evaluated: 2020-11-20. Review status: no assertion criteria provided. Collection method: clinical testing. Allele origin: germline. Not counted in ClinVar's aggregate classification.
Comment: This variant is classified as likely benign based on ACMG/AMP sequence variant interpretation guidelines (Richards et al. 2015 PMID: 25741868, with internal and published modifications).